The following is an entry in ClinVar:

NM_000091.5(COL4A3):c.1822G>A (p.Gly608Arg)

Genes: COL4A3 (collagen type IV alpha 3 chain; plus strand), MFF-DT (MFF divergent transcript; minus strand). Cytogenetic location: 2q36.3.
Variant type: single nucleotide variant.
Coding change: c.1822G>A on transcript NM_000091.5 (MANE Select); coding-DNA position 1822, G replaced by A.
Protein change: p.Gly608Arg; replaces glycine 608 with arginine.
Molecular consequence: missense variant.
Genome position (GRCh38, 1-based): chr2:227,273,012, G>A. VCF-style: chr2-227273012-G-A. GRCh37 (hg19) VCF-style: chr2-228137728-G-A.
Other names: short protein forms G608R.
Identifiers: ClinVar variation 988253 (VCV000988253.1), dbSNP rs2071334080, ClinGen allele CA350844861.
Genomic context (GRCh38, chr2:227,273,012, plus strand): 5'-CTGAGTGGTGAGAAAGGGGACCAAGGTCCTCCAGGGGATCCTGGCTCCCCTGGGTCCCCA[G>A]GACCTGCAGGACCAGCTGGACCACCTGGCTACGGACCCCAAGGAGAACCTGGTCTCCAGG-3'
Protein context (NP_000082.2, residues 598-618): PGDPGSPGSP[Gly608Arg]PAGPAGPPGY

ClinVar aggregate classification (germline): Pathogenic (0 of 4 stars; one submission).

Conditions:
Hematuria. Identifiers: MedGen C0018965, HP:0000790.

Submission:

Sydney Genome Diagnostics, Children's Hospital Westmead
Classification: Pathogenic for Hematuria. Last evaluated: 2018-10-24. Review status: no assertion criteria provided. Collection method: clinical testing. Allele origin: unknown. Affected: yes. Observed: 1 variant allele, 1 heterozygote.
Comment: To our knowledge, this variant has not been previously reported. This variant results in substitution of one of the invariant glycine residues in the triple helical domain of collagen alpha-3(IV) chain, and is considered to be pathogenic.